The following is an entry in ClinVar:

ClinVar aggregate classification (germline): Uncertain significance (1 of 4 stars; one submission).

Conditions:
UCP3-related disorder. Also called: UCP3-related condition.

Submission:

PreventionGenetics, part of Exact Sciences
Classification: Uncertain significance for UCP3-related condition. Last evaluated: 2025-05-30. Review status: criteria provided, single submitter. Criteria: ACMG Guidelines, 2015. Collection method: clinical testing. Allele origin: germline.
Comment: The UCP3 c.347T>C variant is predicted to result in the amino acid substitution p.Leu116Pro. To our knowledge, this variant has not been reported in the literature or in a large population database (gnomAD), indicating this variant is rare. At this time, the clinical significance of this variant is uncertain due to the absence of conclusive functional and genetic evidence.

NM_003356.4(UCP3):c.347T>C (p.Leu116Pro)

Gene: UCP3 (uncoupling protein 3; minus strand). Cytogenetic location: 11q13.4.
Variant type: single nucleotide variant.
Coding change: c.347T>C on transcript NM_003356.4 (MANE Select); coding-DNA position 347, T replaced by C.
Protein change: p.Leu116Pro; replaces leucine 116 with proline.
Molecular consequence: missense variant.
Genome position (GRCh38, 1-based): chr11:74,005,924, A>G on the plus strand (T>C on the coding strand, the complement: UCP3 is on the minus strand). VCF-style: chr11-74005924-A-G. GRCh37 (hg19) VCF-style: chr11-73716969-A-G.
Other names: c.347T>C, p.Leu116Pro (NM_022803.3); short protein forms L116P.
Identifiers: ClinVar variation 4999816 (VCV004999816.1).
Genomic context (GRCh38, chr11:74,005,924, plus strand): 5'-GGCTGGGCACAGGTCACCGCCATGGCTCCTGTGGTGCAGCCGGCCAAAATCCGGGTAGTG[A>G]GGCTGGAGTCTGGGAGGGGCAGAGAGAGTGGGCCAGTGTCCCCTACTAAGCAGCATTCTG-3'
Protein context (NP_003347.1, residues 106-126): YTPKGADNSS[Leu116Pro]TTRILAGCTT